The following is an entry in ClinVar:

ClinVar aggregate classification (germline): Uncertain significance (1 of 4 stars; one submission).

gnomAD v4.1: 1 of 1,613,128 alleles (0.000062%); highest among the groups gnomAD compares: Non-Finnish European, 0.000085%; no homozygotes.

Submission:

GeneDx
Classification: Uncertain significance. Last evaluated: 2026-03-23. Review status: criteria provided, single submitter. Criteria: GeneDx Variant Classification Process June 2021. Collection method: clinical testing. Allele origin: germline.
Comment: Not observed at significant frequency in large population cohorts (gnomAD); In silico analysis supports that this missense variant has a deleterious effect on protein structure/function; Has not been previously published as pathogenic or benign to our knowledge

NM_001365276.2(TNXB):c.501C>G (p.Cys167Trp)

Gene: TNXB (tenascin XB; minus strand). Cytogenetic location: 6p21.33.
Variant type: single nucleotide variant.
Coding change: c.501C>G on transcript NM_001365276.2 (MANE Select); coding-DNA position 501, C replaced by G.
Protein change: p.Cys167Trp; replaces cysteine 167 with tryptophan.
Molecular consequence: missense variant.
Genome position (GRCh38, 1-based): chr6:32,097,352, G>C on the plus strand (C>G on the coding strand, the complement: TNXB is on the minus strand). VCF-style: chr6-32097352-G-C. GRCh37 (hg19) VCF-style: chr6-32065129-G-C.
Other names: c.501C>G, p.Cys167Trp (NM_001428335.1, NM_019105.8); short protein forms C167W.
Identifiers: ClinVar variation 5017235 (VCV005017235.1).